The following is an entry in ClinVar:

ClinVar aggregate classification (germline): Pathogenic/Likely pathogenic. Review status: criteria provided, multiple submitters, no conflicts (2 of 4 stars). 2 submissions from 2 submitters: Pathogenic (1); Likely pathogenic (1). Last evaluated 2023-08-08.
ClinVar aggregate classification (oncogenicity): Uncertain significance (1 of 4 stars; one submission).

Conditions:
Hereditary cancer-predisposing syndrome. Also called: Neoplastic Syndromes, Hereditary; Hereditary Cancer Syndrome; Tumor predisposition; Hereditary neoplastic syndrome. Identifiers: Orphanet 140162, MedGen C0027672, MeSH D009386, MONDO:0015356.
Melanoma and neural system tumor syndrome. Also called: MELANOMA-ASTROCYTOMA SYNDROME. Identifiers: Orphanet 252206, MedGen C1835042, MONDO:0007967, OMIM 155755.
Neoplasm. Also called: Neoplasms; Neoplasm (disease); tumor. Identifiers: MedGen C0027651, MeSH D009369, MONDO:0005070, HP:0002664.

Submissions (3):

Center for Genomic Medicine, Rigshospitalet, Copenhagen University Hospital
Classification: Uncertain significance for Neoplasm. Last evaluated: 2025-12-29. Review status: criteria provided, single submitter. Criteria: ClinGen/CGC/VICC Guidelines for Oncogenicity, 2022. Collection method: clinical testing. Allele origin: somatic. Affected: yes.

Ambry Genetics
Classification: Pathogenic for Hereditary cancer-predisposing syndrome. Last evaluated: 2023-08-08. Review status: criteria provided, single submitter. Criteria: Ambry Variant Classification Scheme 2023. Collection method: clinical testing. Allele origin: germline.
Comment: The c.212delA pathogenic mutation, located in coding exon 2 of the CDKN2A gene, results from a deletion of one nucleotide at nucleotide position 212, causing a translational frameshift with a predicted alternate stop codon (p.N71Tfs*75). This alteration occurs at the 3' terminus of CDKN2A gene, is not expected to trigger nonsense-mediated mRNA decay, and only impacts the last 86 amino acids of the protein. However, premature stop codons are typically deleterious in nature and the impacted region is critical for protein function (Ambry internal data). This alteration has been observed in at least one individual with a personal and/or family history that is consistent with CDKN2A -related disease (Ambry internal data). This variant is considered to be rare based on population cohorts in the Genome Aggregation Database (gnomAD). Based on the supporting evidence, this alteration is interpreted as a disease-causing mutation.

Baylor Genetics
Classification: Likely pathogenic for Melanoma and neural system tumor syndrome. Last evaluated: 2022-07-28. Review status: criteria provided, single submitter. Criteria: ACMG Guidelines, 2015. Collection method: clinical testing. Allele origin: unknown.

NM_000077.5(CDKN2A):c.212del (p.Asn71fs)

Gene: CDKN2A (cyclin dependent kinase inhibitor 2A; minus strand). Cytogenetic location: 9p21.3.
Variant type: Deletion.
Coding change: c.212del on transcript NM_000077.5 (MANE Select); coding-DNA position 212, one base deleted (A; older notation c.212delA).
Protein change: p.Asn71fs; shifts the reading frame from asparagine 71.
Molecular consequence: frameshift variant. On other transcripts: 3 prime UTR variant (1).
Genome position (GRCh38, 1-based): chr9:21,971,147, T deleted on the plus strand (A on the coding strand, the reverse complement: CDKN2A is on the minus strand); the first of 2 consecutive T bases (chr9:21,971,147-21,971,148); deleting either gives the same sequence. VCF-style (leftmost placement, unchanged base first): chr9-21971146-GT-G. GRCh37 (hg19) VCF-style: chr9-21971145-GT-G.
Other names: c.212delA (NM_000077.4, NM_000077.5); c.211delA, p.Asn71Thrfs (NM_000077.6); c.212del, p.Asn71fs (NM_001195132.2); c.59del, p.Asn20fs (NM_001363763.2); c.255del, p.Gln85fs (NM_058195.4); c.*135del (NM_058197.5); short protein forms Q85fs, N71fs, N20fs.
Identifiers: ClinVar variation 229824 (VCV000229824.8), dbSNP rs876658220, ClinGen allele CA10578844.